The following is an entry in ClinVar:

ClinVar aggregate classification (germline): Uncertain significance (1 of 4 stars; one submission).

Submission:

Labcorp Genetics (formerly Invitae), Labcorp
Classification: Uncertain significance. Last evaluated: 2022-02-05. Review status: criteria provided, single submitter. Criteria: Invitae Variant Classification Sherloc (09022015). Collection method: clinical testing. Allele origin: germline.
Comment: This sequence change replaces tryptophan, which is neutral and slightly polar, with cysteine, which is neutral and slightly polar, at codon 864 of the RIMS1 protein (p.Trp864Cys). This variant is not present in population databases (gnomAD no frequency). This variant has not been reported in the literature in individuals affected with RIMS1-related conditions. Algorithms developed to predict the effect of missense changes on protein structure and function (SIFT, PolyPhen-2, Align-GVGD) all suggest that this variant is likely to be disruptive. In summary, the available evidence is currently insufficient to determine the role of this variant in disease. Therefore, it has been classified as a Variant of Uncertain Significance.

NM_014989.7(RIMS1):c.2592G>T (p.Trp864Cys)

Gene: RIMS1 (regulating synaptic membrane exocytosis 1; plus strand). Cytogenetic location: 6q13.
Variant type: single nucleotide variant.
Coding change: c.2592G>T on transcript NM_014989.7 (MANE Select); coding-DNA position 2592, G replaced by T.
Protein change: p.Trp864Cys; replaces tryptophan 864 with cysteine.
Molecular consequence: missense variant.
Genome position (GRCh38, 1-based): chr6:72,251,262, G>T. VCF-style: chr6-72251262-G-T. GRCh37 (hg19) VCF-style: chr6-72960965-G-T.
Other names: c.1014G>T, p.Trp338Cys (NM_001168407.2, NM_001168408.2, NM_001350414.2 and 37 more transcripts); c.771G>T, p.Trp257Cys (NM_001168409.2, NM_001350461.2, NM_001350463.2 and 6 more transcripts); c.969G>T, p.Trp323Cys (NM_001168410.2, NM_001350470.2, NM_001350472.2 and 2 more transcripts); c.945G>T, p.Trp315Cys (NM_001350421.2, NM_001350424.2, NM_001350428.2 and 6 more transcripts); short protein forms W257C, W864C, W323C, W315C, W338C.
Identifiers: ClinVar variation 1520982 (VCV001520982.8), dbSNP rs2154136312, ClinGen allele CA364680232.